The following continues an entry in ClinVar:

NM_000018.4(ACADVL):c.829_831del (p.Glu277del)

Gene: ACADVL. ClinVar aggregate classification (germline): Pathogenic/Likely pathogenic. Pathogenic (8); Likely pathogenic (10).

Submissions 13 to 20 of 20:

Women's Health and Genetics/Laboratory Corporation of America, LabCorp
Classification: Pathogenic for Very long chain acyl-CoA dehydrogenase deficiency. Last evaluated: 2021-11-10. Review status: criteria provided, single submitter. Criteria: LabCorp Variant Classification Summary - May 2015. Collection method: clinical testing. Allele origin: germline.
Comment: Variant summary: ACADVL c.829_831delGAG (p.Glu277del) results in an in-frame deletion that is predicted to remove 1 amino acid from the encoded protein. The variant allele was found at a frequency of 0.00017 in 251448 control chromosomes (gnomAD). This frequency is not higher than expected for a pathogenic variant in ACADVL causing Very Long Chain Acyl-CoA Dehydrogenase Deficiency (0.00017 vs 0.0029), allowing no conclusion about variant significance. c.829_831delGAG has been reported in the literature in multiple individuals affected with Very Long Chain Acyl-CoA Dehydrogenase Deficiency (e.g. Spiekerkoetter_2012, Alhashem_2020). These data indicate that the variant is very likely to be associated with disease. To our knowledge, no experimental evidence demonstrating an impact on protein function has been reported. Four ClinVar submitters (evaluation after 2014) cite the variant as pathogenic/likely pathogenic and two (evaluation after 2014) cite it as uncertain significance. Based on the evidence outlined above, the variant was classified as pathogenic.

Myriad Genetics, Inc.
Classification: Likely pathogenic for Very long chain acyl-CoA dehydrogenase deficiency. Last evaluated: 2021-10-01. Review status: criteria provided, single submitter. Criteria: Myriad Women's Health Autosomal Recessive and X-Linked Classification Criteria (2021). Collection method: clinical testing. Allele origin: unknown.
Comment: NM_000018.3(ACADVL):c.829_831delGAG(E277del) is an in-frame deletion classified as likely pathogenic in the context of very-long-chain acyl-CoA dehydrogenase deficiency. E277del has been observed in cases with relevant disease (PMID: 27209629, 30194637, 32518924, 26385305, 23430948). Functional assessments of this variant are not available in the literature. E277del has been observed in population frequency databases (gnomAD: NFE 0.03%). In summary, NM_000018.3(ACADVL):c.829_831delGAG(E277del) is an in-frame deletion variant that has been observed more frequently in cases with the relevant disease than in healthy populations. Please note: this variant was assessed in the context of healthy population screening.

Ambry Genetics
Classification: Likely pathogenic for Inborn genetic diseases. Last evaluated: 2021-09-22. Review status: criteria provided, single submitter. Criteria: Ambry Variant Classification Scheme 2023. Collection method: clinical testing. Allele origin: germline.
Comment: The c.829_831delGAG (p.E277del) alteration, located in coding exon 9 of the ACADVL gene, results from an in-frame GAG deletion at nucleotide positions 829 to 831. This results in the deletion of a glutamic acid residue at codon 277. Based on data from gnomAD, this allele has an overall frequency of 0.02% (47/282832) total alleles studied. The highest observed frequency was 0.04% (3/7226) of Other alleles. This alteration has been detected as compound heterozygous in multiple individuals diagnosed with very long-chain acyl-CoA dehydrogenase deficiency (VLCADD) (Spiekerkoetter, 2012; Pena, 2016; Hesse, 2018). This amino acid position is not well conserved in available vertebrate species. In addition, this alteration is predicted to be deleterious by in silico analysis (Choi, 2012). Based on the available evidence, this alteration is classified as likely pathogenic.

Genome-Nilou Lab
Classification: Likely pathogenic for Very long chain acyl-CoA dehydrogenase deficiency. Last evaluated: 2021-05-18. Review status: criteria provided, single submitter. Criteria: ACMG Guidelines, 2015. Collection method: clinical testing. Allele origin: germline. Affected: no.

CeGaT Center for Human Genetics Tuebingen
Classification: Pathogenic. Last evaluated: 2020-11-01. Review status: criteria provided, single submitter. Criteria: CeGaT Center For Human Genetics Tuebingen Variant Classification Criteria Version 2. Collection method: clinical testing. Allele origin: germline. Affected: yes. Observed: 1 variant allele.

Genetics and Molecular Pathology, SA Pathology
Classification: Likely pathogenic for Very long chain acyl-CoA dehydrogenase deficiency. Last evaluated: 2020-07-20. Review status: criteria provided, single submitter. Criteria: ACMG Guidelines, 2015. Collection method: clinical testing. Allele origin: germline. Inheritance: Autosomal recessive inheritance. Affected: yes.

Wong Mito Lab, Molecular and Human Genetics, Baylor College of Medicine
Classification: Uncertain significance for Very long chain acyl-CoA dehydrogenase deficiency. Last evaluated: 2019-11-01. Review status: flagged submission. Criteria: ACMG Guidelines, 2015. Collection method: clinical testing. Allele origin: germline. Not counted in ClinVar's aggregate classification.
Comment: The NM_000018.3:c.829_831delGAG (NP_000009.1:p.Glu277del) [GRCH38: NC_000017.11:g.7222253_7222255del] variant in ACADVL gene is interpretated to be Uncertain Significance based on ACMG guidelines (PMID: 25741868). This variant has been reported.This variant dose not meet any evidence codes reported in the ACMG guidelines.
ClinVar note: Reason: Outlier claim with insufficient supporting evidence

Biochemical Molecular Genetic Laboratory, King Abdulaziz Medical City
Classification: Uncertain significance for Very long chain acyl-CoA dehydrogenase deficiency. Last evaluated: 2019-01-29. Review status: flagged submission. Collection method: clinical testing. Allele origin: germline. Affected: yes. Not counted in ClinVar's aggregate classification.
ClinVar note: Reason: Outlier claim with insufficient supporting evidence

Literature cited by the submitters: PubMed 23169530 (cited by 3 submitters); PubMed 23430948 (cited by 6 submitters); PubMed 27209629 (cited by 6 submitters); PubMed 30194637 (cited by 5 submitters); PubMed 32518924 (cited by 4 submitters); PM2_Supporting: Maximum gnomAD MAF of 0.0256% in European-Non Finnish (NFE) subpopulation (<0.224% threshold) (cited by Otogenetics); PM3_VeryStrong: Variant reported in homozygous state in one affected individual and in trans with three pathogenic variants in four individuals affected with very long-chain acyl-CoA dehydrogenase deficiency (PMID: 23430948, 27209629, 30194637, 32518924) (cited by Otogenetics); PM4: Protein length changes due to in-frame deletion/insertion in a non-repeat region (cited by Otogenetics); PubMed 32061778 (cited by Natera, Inc. and Women's Health and Genetics/Laboratory Corporation of America, LabCorp); PubMed 26385305 (cited by Women's Health and Genetics/Laboratory Corporation of America, LabCorp and Myriad Genetics, Inc.); PubMed 32778825 (cited by Women's Health and Genetics/Laboratory Corporation of America, LabCorp).